The following is an entry in ClinVar:

NM_016642.4(SPTBN5):c.7815G>A (p.Trp2605Ter)

Gene: SPTBN5 (spectrin beta, non-erythrocytic 5; minus strand). Cytogenetic location: 15q15.1.
Variant type: single nucleotide variant.
Coding change: c.7815G>A on transcript NM_016642.4 (MANE Select); coding-DNA position 7815, G replaced by A.
Protein change: p.Trp2605Ter; replaces tryptophan 2605 with a stop codon.
Molecular consequence: nonsense.
Genome position (GRCh38, 1-based): chr15:41,861,419, C>T on the plus strand (G>A on the coding strand, the complement: SPTBN5 is on the minus strand). VCF-style: chr15-41861419-C-T. GRCh37 (hg19) VCF-style: chr15-42153617-C-T.
Other names: NC_000015.9:g.42153617C>T; short protein forms W2605*.
Identifiers: ClinVar variation 3341577 (VCV003341577.17).

ClinVar aggregate classification (germline): Benign (1 of 4 stars; one submission).

gnomAD v4.1: 877 of 1,613,140 alleles (0.054%); highest among the groups gnomAD compares: Non-Finnish European, 0.059%; 2 homozygotes.

Submissions (5):

CeGaT Center for Human Genetics Tuebingen
Classification: Benign. Last evaluated: 2024-08-01. Review status: criteria provided, single submitter. Criteria: CeGaT Center For Human Genetics Tuebingen Variant Classification Criteria Version 2. Collection method: clinical testing. Allele origin: germline. Affected: yes. Observed: 1 variant allele.
Comment: SPTBN5: BS1, BS2

Dr. Peter K. Rogan Lab, Western University
No classification provided (evidence only). Condition: Melanoma. Review status: no classification provided. Collection method: in vitro. Allele origin: not applicable. Functional consequence: retained intron. Not counted in ClinVar's aggregate classification.

Dr. Peter K. Rogan Lab, Western University
No classification provided (evidence only). Condition: Melanoma. Review status: no classification provided. Collection method: in vitro. Allele origin: not applicable. Functional consequence: retained intron. Not counted in ClinVar's aggregate classification.

Dr. Peter K. Rogan Lab, Western University
No classification provided (evidence only). Condition: Familial cancer of breast. Review status: no classification provided. Collection method: in vitro. Allele origin: not applicable. Functional consequence: retained intron. Not counted in ClinVar's aggregate classification.

Dr. Peter K. Rogan Lab, Western University
No classification provided (evidence only). Condition: Colorectal cancer. Review status: no classification provided. Collection method: in vitro. Allele origin: not applicable. Functional consequence: retained intron. Not counted in ClinVar's aggregate classification.